The following is an entry in ClinVar:

ClinVar aggregate classification (germline): Uncertain significance. Review status: criteria provided, multiple submitters, no conflicts (2 of 4 stars). 3 submissions from 3 submitters: Uncertain significance (3). Last evaluated 2024-03-26.

Conditions:
Hereditary cancer-predisposing syndrome. Also called: Hereditary Cancer Syndrome; Neoplastic Syndromes, Hereditary; Tumor predisposition; Hereditary neoplastic syndrome. Identifiers: Orphanet 140162, MedGen C0027672, MeSH D009386, MONDO:0015356.
Familial cancer of breast. Also called: Hereditary breast cancer; BREAST CANCER, FAMILIAL; hereditary breast carcinoma. Identifiers: Orphanet 227535, MedGen C0346153, MONDO:0016419, OMIM 114480. Disease mechanism: loss of function.

Submissions (3):

Ambry Genetics
Classification: Uncertain significance for Hereditary cancer-predisposing syndrome. Last evaluated: 2024-03-26. Review status: criteria provided, single submitter. Criteria: Ambry Variant Classification Scheme 2023. Collection method: clinical testing. Allele origin: germline.
Comment: The p.H426R variant (also known as c.1277A>G), located in coding exon 4 of the BARD1 gene, results from an A to G substitution at nucleotide position 1277. The histidine at codon 426 is replaced by arginine, an amino acid with highly similar properties. This amino acid position is well conserved in available vertebrate species. In addition, this alteration is predicted to be tolerated by in silico analysis. Based on the available evidence, the clinical significance of this alteration remains unclear.

Labcorp Genetics (formerly Invitae), Labcorp
Classification: Uncertain significance for Familial cancer of breast. Last evaluated: 2023-12-22. Review status: criteria provided, single submitter. Criteria: Invitae Variant Classification Sherloc (09022015). Collection method: clinical testing. Allele origin: germline.
Comment: This sequence change replaces histidine, which is basic and polar, with arginine, which is basic and polar, at codon 426 of the BARD1 protein (p.His426Arg). This variant is not present in population databases (gnomAD no frequency). This variant has not been reported in the literature in individuals affected with BARD1-related conditions. ClinVar contains an entry for this variant (Variation ID: 490926). An algorithm developed to predict the effect of missense changes on protein structure and function (PolyPhen-2) suggests that this variant is likely to be tolerated. In summary, the available evidence is currently insufficient to determine the role of this variant in disease. Therefore, it has been classified as a Variant of Uncertain Significance.

Color Diagnostics, LLC DBA Color Health
Classification: Uncertain significance for Hereditary cancer-predisposing syndrome. Last evaluated: 2019-03-19. Review status: criteria provided, single submitter. Criteria: ACMG Guidelines, 2015. Collection method: clinical testing. Allele origin: germline.

NM_000465.4(BARD1):c.1277A>G (p.His426Arg)

Gene: BARD1 (BRCA1 associated RING domain 1; minus strand). Cytogenetic location: 2q35.
Variant type: single nucleotide variant.
Coding change: c.1277A>G on transcript NM_000465.4 (MANE Select); coding-DNA position 1277, A replaced by G.
Protein change: p.His426Arg; replaces histidine 426 with arginine.
Molecular consequence: missense variant. On other transcripts: non-coding transcript variant (2), intron variant (3).
Genome position (GRCh38, 1-based): chr2:214,780,597, T>C on the plus strand (A>G on the coding strand, the complement: BARD1 is on the minus strand). VCF-style: chr2-214780597-T-C. GRCh37 (hg19) VCF-style: chr2-215645321-T-C.
Other names: c.1220A>G, p.His407Arg (NM_001282543.2); c.159-28042A>G (NM_001282548.2); c.215+16464A>G (NM_001282545.2); c.364+11700A>G (NM_001282549.2); c.1277A>G (NM_000465.2); short protein forms H426R, H407R.
Identifiers: ClinVar variation 490926 (VCV000490926.17), dbSNP rs1553622117, ClinGen allele CA350453417.
Genomic context (GRCh38, chr2:214,780,597, plus strand): 5'-GTATTTCAGAGTAAGCATCCTACCTTAATAGAAGCAATATGGAGCAAAGTCTCTCCTCTA[T>C]GATTTCTTTTCACAGCCATATTGGGCAACAGCTTCATTGCTGAGGGACTAGACATCACTC-3'
Protein context (NP_000456.2, residues 416-436): LLPNMAVKRN[His426Arg]RGETLLHIAS